The following is an entry in ClinVar:

NM_003640.5(ELP1):c.2135C>T (p.Pro712Leu)

Gene: ELP1 (elongator acetyltransferase complex subunit 1; minus strand). Cytogenetic location: 9q31.3.
Variant type: single nucleotide variant.
Coding change: c.2135C>T on transcript NM_003640.5 (MANE Select); coding-DNA position 2135, C replaced by T.
Protein change: p.Pro712Leu; replaces proline 712 with leucine.
Molecular consequence: missense variant.
Genome position (GRCh38, 1-based): chr9:108,899,891, G>A on the plus strand (C>T on the coding strand, the complement: ELP1 is on the minus strand). VCF-style: chr9-108899891-G-A. GRCh37 (hg19) VCF-style: chr9-111662171-G-A.
Other names: c.1793C>T, p.Pro598Leu (NM_001318360.2); c.1088C>T, p.Pro363Leu (NM_001330749.2); short protein forms P363L, P712L, P598L.
Identifiers: ClinVar variation 1377019 (VCV001377019.3), dbSNP rs752272003, ClinGen allele CA5174759.

ClinVar aggregate classification (germline): Uncertain significance (1 of 4 stars; one submission).

Allele frequency attached by ClinVar (database versions not stated): gnomAD exomes below 0.00001 and 0.00001; TOPMed below 0.00001; ExAC 0.00001; gnomAD 0.00001.
gnomAD v4.1: 6 of 1,613,298 alleles (0.00037%); highest among the groups gnomAD compares: Non-Finnish European, 0.00051%; no homozygotes.

Submission:

Labcorp Genetics (formerly Invitae), Labcorp
Classification: Uncertain significance. Last evaluated: 2021-11-17. Review status: criteria provided, single submitter. Criteria: Invitae Variant Classification Sherloc (09022015). Collection method: clinical testing. Allele origin: germline.
Comment: This sequence change replaces proline, which is neutral and non-polar, with leucine, which is neutral and non-polar, at codon 712 of the ELP1 protein (p.Pro712Leu). This variant is present in population databases (rs752272003, gnomAD 0.0009%). This variant has not been reported in the literature in individuals affected with ELP1-related conditions. Algorithms developed to predict the effect of missense changes on protein structure and function are either unavailable or do not agree on the potential impact of this missense change (SIFT: "Deleterious"; PolyPhen-2: "Probably Damaging"; Align-GVGD: "Class C15"). In summary, the available evidence is currently insufficient to determine the role of this variant in disease. Therefore, it has been classified as a Variant of Uncertain Significance.